The following is an entry in ClinVar:

NM_001384140.1(PCDH15):c.706-2A>G

Gene: PCDH15 (protocadherin related 15; minus strand). Cytogenetic location: 10q21.1.
Variant type: single nucleotide variant.
Coding change: c.706-2A>G on transcript NM_001384140.1 (MANE Select); the canonical splice acceptor site of the intron before coding-DNA position 706, A replaced by G.
Molecular consequence: splice acceptor variant.
Genome position (GRCh38, 1-based): chr10:54,317,443, T>C on the plus strand (A>G on the coding strand, the complement: PCDH15 is on the minus strand). VCF-style: chr10-54317443-T-C. GRCh37 (hg19) VCF-style: chr10-56077203-T-C.
Other names: c.706-2A>G (NM_001354420.2, NM_001354429.2, NM_001142772.2 and 7 more transcripts); c.721-2A>G (NM_001142771.2, NM_001142769.3, NM_001142763.2); c.640-2A>G (NM_001354404.2, NM_001142773.2, NM_001142768.2); c.595-2A>G (NM_001142767.2).
Identifiers: ClinVar variation 2090720 (VCV002090720.4), dbSNP rs2541284221, ClinGen allele CA376541106.

ClinVar aggregate classification (germline): Likely pathogenic (1 of 4 stars; one submission).

Submission:

Labcorp Genetics (formerly Invitae), Labcorp
Classification: Likely pathogenic. Last evaluated: 2022-02-05. Review status: criteria provided, single submitter. Criteria: Invitae Variant Classification Sherloc (09022015). Collection method: clinical testing. Allele origin: germline.
Comment: In summary, the currently available evidence indicates that the variant is pathogenic, but additional data are needed to prove that conclusively. Therefore, this variant has been classified as Likely Pathogenic. Algorithms developed to predict the effect of sequence changes on RNA splicing suggest that this variant may disrupt the consensus splice site. This variant has not been reported in the literature in individuals affected with PCDH15-related conditions. This variant is not present in population databases (gnomAD no frequency). This sequence change affects an acceptor splice site in intron 7 of the PCDH15 gene. It is expected to disrupt RNA splicing. Variants that disrupt the donor or acceptor splice site typically lead to a loss of protein function (PMID: 16199547), and loss-of-function variants in PCDH15 are known to be pathogenic (PMID: 11398101, 11487575, 14570705).

Literature cited by the submitters: PubMed 16199547; PubMed 11398101; PubMed 11487575; PubMed 14570705.